The following is an entry in ClinVar:

ClinVar aggregate classification (germline): Uncertain significance (1 of 4 stars; one submission).

Allele frequency attached by ClinVar (database versions not stated): gnomAD 0.00001; TOPMed 0.00003; ExAC 0.00006.
gnomAD v4.1: 23 of 1,608,088 alleles (0.0014%); highest among the groups gnomAD compares: Non-Finnish European, 0.0019%; no homozygotes.

Submission:

Labcorp Genetics (formerly Invitae), Labcorp
Classification: Uncertain significance. Last evaluated: 2021-06-24. Review status: criteria provided, single submitter. Criteria: Invitae Variant Classification Sherloc (09022015). Collection method: clinical testing. Allele origin: germline.
Comment: This sequence change replaces lysine with asparagine at codon 56 of the SERPINB7 protein (p.Lys56Asn). The lysine residue is highly conserved and there is a moderate physicochemical difference between lysine and asparagine. This variant also falls at the last nucleotide of exon 2, which is part of the consensus splice site for this exon. This variant is present in population databases (rs770266684, ExAC 0.01%). This variant has not been reported in the literature in individuals affected with SERPINB7-related conditions. Algorithms developed to predict the effect of missense changes on protein structure and function are either unavailable or do not agree on the potential impact of this missense change (SIFT: "Deleterious"; PolyPhen-2: "Probably Damaging"; Align-GVGD: "Class C0"). Nucleotide substitutions within the consensus splice site are a relatively common cause of aberrant splicing (PMID: 17576681, 9536098). Algorithms developed to predict the effect of sequence changes on RNA splicing suggest that this variant may disrupt the consensus splice site. In summary, the available evidence is currently insufficient to determine the role of this variant in disease. Therefore, it has been classified as a Variant of Uncertain Significance.

Literature cited by the submitters: PubMed 17576681; PubMed 9536098.

NM_003784.4(SERPINB7):c.168G>T (p.Lys56Asn)

Gene: SERPINB7 (serpin family B member 7; plus strand). Cytogenetic location: 18q21.33.
Variant type: single nucleotide variant.
Coding change: c.168G>T on transcript NM_003784.4 (MANE Select); coding-DNA position 168, G replaced by T.
Protein change: p.Lys56Asn; replaces lysine 56 with asparagine.
Molecular consequence: missense variant.
Genome position (GRCh38, 1-based): chr18:63,782,540, G>T. VCF-style: chr18-63782540-G-T. GRCh37 (hg19) VCF-style: chr18-61449774-G-T.
Other names: c.168G>T, p.Lys56Asn (NM_001040147.3, NM_001261830.2, NM_001261831.2); short protein forms K56N.
Identifiers: ClinVar variation 2182230 (VCV002182230.1), dbSNP rs770266684, ClinGen allele CA8989294.